The following is an entry in ClinVar:

ClinVar aggregate classification (germline): Uncertain significance (1 of 4 stars; one submission).

Allele frequency attached by ClinVar (database versions not stated): gnomAD exomes below 0.00001; gnomAD 0.00001; TOPMed 0.00001.
gnomAD v4.1: 2 of 1,614,120 alleles (0.00012%); highest among the groups gnomAD compares: Non-Finnish European, 0.00017%; no homozygotes.

Submission:

Labcorp Genetics (formerly Invitae), Labcorp
Classification: Uncertain significance. Last evaluated: 2023-06-10. Review status: criteria provided, single submitter. Criteria: Invitae Variant Classification Sherloc (09022015). Collection method: clinical testing. Allele origin: germline.
Comment: This variant is not present in population databases (gnomAD no frequency). In summary, the available evidence is currently insufficient to determine the role of this variant in disease. Therefore, it has been classified as a Variant of Uncertain Significance. Advanced modeling of protein sequence and biophysical properties (such as structural, functional, and spatial information, amino acid conservation, physicochemical variation, residue mobility, and thermodynamic stability) has been performed at Invitae for this missense variant, however the output from this modeling did not meet the statistical confidence thresholds required to predict the impact of this variant on KMT2A protein function. This variant has not been reported in the literature in individuals affected with KMT2A-related conditions. This sequence change replaces alanine, which is neutral and non-polar, with threonine, which is neutral and polar, at codon 2664 of the KMT2A protein (p.Ala2664Thr).

NM_001197104.2(KMT2A):c.7990G>A (p.Ala2664Thr)

Gene: KMT2A (lysine methyltransferase 2A; plus strand). Cytogenetic location: 11q23.3.
Variant type: single nucleotide variant.
Coding change: c.7990G>A on transcript NM_001197104.2 (MANE Select); coding-DNA position 7990, G replaced by A.
Protein change: p.Ala2664Thr; replaces alanine 2664 with threonine.
Molecular consequence: missense variant.
Genome position (GRCh38, 1-based): chr11:118,503,882, G>A. VCF-style: chr11-118503882-G-A. GRCh37 (hg19) VCF-style: chr11-118374597-G-A.
Other names: c.8080G>A, p.Ala2694Thr (NM_001412597.1); c.7981G>A, p.Ala2661Thr (NM_005933.4); short protein forms A2664T, A2694T, A2661T.
Identifiers: ClinVar variation 2833303 (VCV002833303.3), dbSNP rs1451782829, ClinGen allele CA382808137.
Genomic context (GRCh38, chr11:118,503,882, plus strand): 5'-GGTGAAGAAGACATTCCATTCTACAGCAGCTCAACTGGGAAGAAGCGAGGCAAGAGATCA[G>A]CTGAAGGACAGGTGGATGGGGCCGATGACTTAAGCACTTCAGATGAAGACGACTTATACT-3'
Protein context (NP_001184033.1, residues 2654-2674): STGKKRGKRS[Ala2664Thr]EGQVDGADDL